The following is an entry in ClinVar:

ClinVar aggregate classification (germline): Pathogenic (1 of 4 stars; one submission).

Submission:

GeneDx
Classification: Pathogenic. Last evaluated: 2016-09-20. Review status: criteria provided, single submitter. Criteria: GeneDx Variant Classification (06012015). Collection method: clinical testing. Allele origin: germline. Affected: yes.
Comment: The c.4706_4709delAAGA pathogenic variant in the CHD2 gene causes a frameshift starting with codon Lysine 1569, changes this amino acid to a Threonine residue and creates a premature Stop codon at position 3 of the new reading frame, denoted p.Lys1569ThrfsX3. This pathogenic variant is predicted to cause loss of normal protein function either through protein truncation or nonsense-mediated mRNA decay. It was not observed in approximately 6,500 individuals of European and African American ancestry in the NHLBI Exome Sequencing Project, indicating it is not a common benign variant in these populations. Although the c.4706_4709delAAGA variant has not been previously reported to our knowledge, other loss-of-function variants have been reported in the Human Gene Mutation Database in association with CHD2-related disorders (Stenson et al., 2014).

NM_001271.4(CHD2):c.4706_4709del (p.Lys1569fs)

Gene: CHD2 (chromodomain helicase DNA binding protein 2; plus strand). Cytogenetic location: 15q26.1.
Variant type: Microsatellite.
Coding change: c.4706_4709del on transcript NM_001271.4 (MANE Select); coding-DNA positions 4706 to 4709, 4 bases deleted (AAGA; older notation c.4706_4709delAAGA).
Protein change: p.Lys1569fs; shifts the reading frame from lysine 1569.
Molecular consequence: frameshift variant.
Genome position (GRCh38, 1-based): chr15:93,014,709-93,014,712, AAGA deleted; deleting any 4 consecutive bases within chr15:93,014,705-93,014,712 gives the same sequence; the c. name uses the placement nearest the transcript's 3' end. VCF-style (leftmost placement, unchanged base first): chr15-93014704-GAAGA-G. GRCh37 (hg19) VCF-style: chr15-93557934-GAAGA-G.
Other names: short protein forms K1569fs.
Identifiers: ClinVar variation 280340 (VCV000280340.2), dbSNP rs886041566, ClinGen allele CA10603487.